The following is an entry in ClinVar:

ClinVar aggregate classification (germline): Uncertain significance (1 of 4 stars; one submission).

Submission:

GeneDx
Classification: Uncertain significance. Last evaluated: 2026-03-09. Review status: criteria provided, single submitter. Criteria: GeneDx Variant Classification Process June 2021. Collection method: clinical testing. Allele origin: germline.
Comment: Not observed at significant frequency in large population cohorts (gnomAD); In silico analysis suggests that this missense variant does not alter protein structure/function; Has not been previously published as pathogenic or benign to our knowledge

NM_005334.3(HCFC1):c.3790G>C (p.Gly1264Arg)

Gene: HCFC1 (host cell factor C1; minus strand). Cytogenetic location: Xq28.
Variant type: single nucleotide variant.
Coding change: c.3790G>C on transcript NM_005334.3 (MANE Select); coding-DNA position 3790, G replaced by C.
Protein change: p.Gly1264Arg; replaces glycine 1264 with arginine.
Molecular consequence: missense variant.
Genome position (GRCh38, 1-based): chrX:153,954,609, C>G on the plus strand (G>C on the coding strand, the complement: HCFC1 is on the minus strand). VCF-style: chrX-153954609-C-G. GRCh37 (hg19) VCF-style: chrX-153220060-C-G.
Other names: c.3790G>C, p.Gly1264Arg (NM_001410705.1, NM_001440843.1, NM_001440844.1 and 5 more transcripts); c.3592G>C, p.Gly1198Arg (NM_001440850.1, NM_001440851.1); short protein forms G1198R, G1264R.
Identifiers: ClinVar variation 5008751 (VCV005008751.1).
Genomic context (GRCh38, chrX:153,954,609, plus strand): 5'-TGGCCGAGGGGCACAGCAGTGCCTCCAGGGCTGTCACAGTCACTGTGGTGCTGGGCGAGC[C>G]ACCCTGGAGGCTCTCGCACACAGGTGCCATGCGGGGCTCCCCAGCACCCACGCTGGAACG-3'
Protein context (NP_005325.2, residues 1254-1274): MAPVCESLQG[Gly1264Arg]SPSTTVTVTA